The following is an entry in ClinVar:

ClinVar aggregate classification (germline): Uncertain significance (1 of 4 stars; one submission).

Submission:

GeneDx
Classification: Uncertain significance. Last evaluated: 2022-02-01. Review status: criteria provided, single submitter. Criteria: GeneDx Variant Classification Process June 2021. Collection method: clinical testing. Allele origin: germline. Affected: yes.
Comment: Not observed at significant frequency in large population cohorts (gnomAD); In silico analysis supports that this missense variant has a deleterious effect on protein structure/function; Has not been previously published as pathogenic or benign to our knowledge

NM_017780.4(CHD7):c.3716C>T (p.Pro1239Leu)

Gene: CHD7 (chromodomain helicase DNA binding protein 7; plus strand). Cytogenetic location: 8q12.2.
Variant type: single nucleotide variant.
Coding change: c.3716C>T on transcript NM_017780.4 (MANE Select); coding-DNA position 3716, C replaced by T.
Protein change: p.Pro1239Leu; replaces proline 1239 with leucine.
Molecular consequence: missense variant. On other transcripts: intron variant (1).
Genome position (GRCh38, 1-based): chr8:60,830,515, C>T. VCF-style: chr8-60830515-C-T. GRCh37 (hg19) VCF-style: chr8-61743074-C-T.
Other names: c.1717-31714C>T (NM_001316690.1); short protein forms P1239L.
Identifiers: ClinVar variation 1699529 (VCV001699529.2), dbSNP rs2150765007, ClinGen allele CA371315629.